The following is an entry in ClinVar:

ClinVar aggregate classification (germline): Conflicting classifications of pathogenicity. Review status: criteria provided, conflicting classifications (1 of 4 stars). 8 submissions from 8 submitters: Uncertain significance (6); Likely benign (2). Last evaluated 2026-09-01.

Conditions:
Hereditary cancer-predisposing syndrome. Also called: Hereditary neoplastic syndrome; Tumor predisposition; Neoplastic Syndromes, Hereditary; Hereditary Cancer Syndrome. Identifiers: Orphanet 140162, MedGen C0027672, MeSH D009386, MONDO:0015356.
Mandibular hypoplasia-deafness-progeroid syndrome. Also called: Mandibular hypoplasia, deafness, progeroid features, and lipodystrophy syndrome. Identifiers: Orphanet 363649, MedGen C3715192, MONDO:0014157, OMIM 615381.
POLD1-related polyposis and colorectal cancer syndrome (CRCS10). Also called: COLORECTAL CANCER, SUSCEPTIBILITY TO, ON CHROMOSOME 19q; Colorectal cancer 10; Colorectal cancer, susceptibility to, 10. Identifiers: Orphanet 220460, MedGen C2675481, MONDO:0012953, OMIM 612591.

Allele frequency attached by ClinVar (database versions not stated): gnomAD 0.00001; ExAC 0.00003; gnomAD exomes 0.00003 and 0.00006; TOPMed 0.00003.
gnomAD v4.1: 17 of 1,613,726 alleles (0.0011%); highest among the groups gnomAD compares: Admixed American, 0.028%; no homozygotes.

Submissions (8):

CeGaT Center for Human Genetics Tuebingen
Classification: Uncertain significance. Last evaluated: 2026-09-01. Review status: criteria provided, single submitter. Criteria: CeGaT Center For Human Genetics Tuebingen Variant Classification Criteria Version 2. Collection method: clinical testing. Allele origin: germline. Affected: yes. Observed: 1 variant allele.

Labcorp Genetics (formerly Invitae), Labcorp
Classification: Uncertain significance for POLD1-related polyposis and colorectal cancer syndrome. Last evaluated: 2025-12-02. Review status: criteria provided, single submitter. Criteria: Invitae Variant Classification Sherloc (09022015). Collection method: clinical testing. Allele origin: germline.
Comment: This sequence change replaces isoleucine, which is neutral and non-polar, with valine, which is neutral and non-polar, at codon 431 of the POLD1 protein (p.Ile431Val). This variant is present in population databases (rs752444746, gnomAD 0.04%), and has an allele count higher than expected for a pathogenic variant. This variant has not been reported in the literature in individuals affected with POLD1-related conditions. ClinVar contains an entry for this variant (Variation ID: 484376). Invitae Evidence Modeling of protein sequence and biophysical properties (such as structural, functional, and spatial information, amino acid conservation, physicochemical variation, residue mobility, and thermodynamic stability) indicates that this missense variant is not expected to disrupt POLD1 protein function with a negative predictive value of 80%. In summary, the available evidence is currently insufficient to determine the role of this variant in disease. Therefore, it has been classified as a Variant of Uncertain Significance.

Mayo Clinic Laboratories, Mayo Clinic
Classification: Uncertain significance. Last evaluated: 2025-08-28. Review status: criteria provided, single submitter. Criteria: ACMG Guidelines, 2015. Collection method: clinical testing. Allele origin: germline. Observed: 1 variant allele.
Comment: BP4

Quest Diagnostics Nichols Institute San Juan Capistrano
Classification: Likely benign. Last evaluated: 2025-04-10. Review status: criteria provided, single submitter. Criteria: Quest Diagnostics criteria. Collection method: clinical testing. Allele origin: unknown.

GeneDx
Classification: Uncertain significance. Last evaluated: 2024-05-24. Review status: criteria provided, single submitter. Criteria: GeneDx Variant Classification Process June 2021. Collection method: clinical testing. Allele origin: germline. Affected: yes.
Comment: In silico analysis indicates that this missense variant does not alter protein structure/function; Has not been previously published as pathogenic or benign to our knowledge; This variant is associated with the following publications: (PMID: 29056344, 20951805)

Women's Health and Genetics/Laboratory Corporation of America, LabCorp
Classification: Uncertain significance. Last evaluated: 2023-06-12. Review status: criteria provided, single submitter. Criteria: LabCorp Variant Classification Summary - May 2015. Collection method: clinical testing. Allele origin: germline.
Comment: Variant summary: POLD1 c.1291A>G (p.Ile431Val) results in a conservative amino acid change located in the exonuclease domain (IPR006133) of the encoded protein sequence. Four of five in-silico tools predict a benign effect of the variant on protein function. The variant allele was found at a frequency of 6.4e-05 in 251358 control chromosomes (gnomAD). The observed variant frequency is approximately 4-fold of the estimated maximal expected allele frequency for a pathogenic variant in POLD1 causing colorectal cancer (1.4e-05), however due to the presence of the POLD1 pseudogene this should be interpreted with caution and does not necessarily allow any conclusion about variant significance. To our knowledge, no occurrence of c.1291A>G in individuals affected with colorectal cancer or other POLD1-related disorders and no experimental evidence demonstrating its impact on protein function have been reported. Five clinical diagnostic laboratories have submitted clinical-significance assessments for this variant to ClinVar after 2014 and classified the variant as either VUS (n=3) or likely benign (n=2). Based on the evidence outlined above, the variant was classified as uncertain significance.

Ambry Genetics
Classification: Likely benign for Hereditary cancer-predisposing syndrome. Last evaluated: 2023-01-05. Review status: criteria provided, single submitter. Criteria: Ambry Variant Classification Scheme 2023. Collection method: clinical testing. Allele origin: germline.

Fulgent Genetics
Classification: Uncertain significance for POLD1-related polyposis and colorectal cancer syndrome; Mandibular hypoplasia-deafness-progeroid syndrome. Last evaluated: 2018-10-31. Review status: criteria provided, single submitter. Criteria: ACMG Guidelines, 2015. Collection method: clinical testing. Allele origin: unknown.

NM_002691.4(POLD1):c.1291A>G (p.Ile431Val)

Gene: POLD1 (DNA polymerase delta 1, catalytic subunit; plus strand). Cytogenetic location: 19q13.33.
Variant type: single nucleotide variant.
Coding change: c.1291A>G on transcript NM_002691.4 (MANE Select); coding-DNA position 1291, A replaced by G.
Protein change: p.Ile431Val; replaces isoleucine 431 with valine.
Molecular consequence: missense variant. On other transcripts: non-coding transcript variant (1).
Genome position (GRCh38, 1-based): chr19:50,406,230, A>G. VCF-style: chr19-50406230-A-G. GRCh37 (hg19) VCF-style: chr19-50909487-A-G.
Other names: p.Ile431Val; c.1291A>G, p.Ile431Val (NM_001256849.1, NM_001308632.1); short protein forms I431V.
Identifiers: ClinVar variation 484376 (VCV000484376.25), dbSNP rs752444746, ClinGen allele CA9596100.